The following is an entry in ClinVar:

NM_014679.5(CEP57):c.20C>G (p.Ser7Cys)

Genes: CEP57 (centrosomal protein 57; plus strand), LOC130006618 (ATAC-STARR-seq lymphoblastoid active region 5417; plus strand). Cytogenetic location: 11q21.
Variant type: single nucleotide variant.
Coding change: c.20C>G on transcript NM_014679.5 (MANE Select); coding-DNA position 20, C replaced by G.
Protein change: p.Ser7Cys; replaces serine 7 with cysteine.
Molecular consequence: missense variant. On other transcripts: 5 prime UTR variant (2).
Genome position (GRCh38, 1-based): chr11:95,790,718, C>G. VCF-style: chr11-95790718-C-G. GRCh37 (hg19) VCF-style: chr11-95523882-C-G.
Other names: c.-52C>G (NM_001243776.2); c.20C>G, p.Ser7Cys (NM_001243777.2); c.-375C>G (NM_001363604.2); short protein forms S7C.
Identifiers: ClinVar variation 3832011 (VCV003832011.1).

ClinVar aggregate classification (germline): Uncertain significance (1 of 4 stars; one submission).

Conditions:
Inborn genetic diseases. Identifiers: MedGen C0950123, MeSH D030342.

Submission:

Ambry Genetics
Classification: Uncertain significance for Inborn genetic diseases. Last evaluated: 2025-03-02. Review status: criteria provided, single submitter. Criteria: Ambry Variant Classification Scheme 2023. Collection method: clinical testing. Allele origin: germline.
Comment: The p.S7C variant (also known as c.20C>G), located in coding exon 1 of the CEP57 gene, results from a C to G substitution at nucleotide position 20. The serine at codon 7 is replaced by cysteine, an amino acid with dissimilar properties. This amino acid position is conserved. In addition, this alteration is predicted to be tolerated by in silico analysis. Based on the available evidence, the clinical significance of this variant remains unclear.